The following is an entry in ClinVar:

NM_000310.4(PPT1):c.287G>A (p.Cys96Tyr)

Gene: PPT1 (palmitoyl-protein thioesterase 1; minus strand). Cytogenetic location: 1p34.2.
Variant type: single nucleotide variant.
Coding change: c.287G>A on transcript NM_000310.4 (MANE Select); coding-DNA position 287, G replaced by A.
Protein change: p.Cys96Tyr; replaces cysteine 96 with tyrosine.
Molecular consequence: missense variant. On other transcripts: intron variant (1).
Genome position (GRCh38, 1-based): chr1:40,092,120, C>T on the plus strand (G>A on the coding strand, the complement: PPT1 is on the minus strand). VCF-style: chr1-40092120-C-T. GRCh37 (hg19) VCF-style: chr1-40557792-C-T.
Other names: c.287G>A, p.Cys96Tyr (NM_001363695.2); c.125-2608G>A (NM_001142604.2); short protein forms C96Y.
Identifiers: ClinVar variation 56188 (VCV000056188.17), dbSNP rs386833640, ClinGen allele CA263493.

ClinVar aggregate classification (germline): Conflicting classifications of pathogenicity. Review status: criteria provided, conflicting classifications (1 of 4 stars). 8 submissions from 8 submitters: Pathogenic (1); Likely pathogenic (3); Uncertain significance (2). 2 of the submissions do not count toward it. Last evaluated 2026-01-30.

Conditions:
Inborn genetic diseases. Identifiers: MedGen C0950123, MeSH D030342.
Neuronal ceroid lipofuscinosis. Also called: Neuronal Ceroid Lipofuscinoses. Identifiers: Orphanet 216, Orphanet 79263, MedGen C0027877, MONDO:0016295. Disease mechanism: loss of function.
Neuronal ceroid lipofuscinosis 1 (CLN1). Also called: PPT1-Related Neuronal Ceroid-Lipofuscinosis; CEROID LIPOFUSCINOSIS, NEURONAL, 1, VARIABLE AGE AT ONSET. Identifiers: Orphanet 228329, MedGen C1850451, MONDO:0009744, OMIM 256730.

Allele frequency attached by ClinVar (database versions not stated): ExAC 0.00001; gnomAD exomes 0.00001; TOPMed 0.00001; gnomAD 0.00002.
gnomAD v4.1: 17 of 1,613,984 alleles (0.0011%); highest among the groups gnomAD compares: Non-Finnish European, 0.0014%; no homozygotes.

Submissions (8):

Myriad Genetics, Inc.
Classification: Uncertain significance for Neuronal ceroid lipofuscinosis 1. Last evaluated: 2026-01-30. Review status: criteria provided, single submitter. Criteria: Myriad Autosomal Dominant, Autosomal Recessive and X-Linked Classification Criteria (2023). Collection method: clinical testing. Allele origin: unknown.
Comment: NM_000310.3(PPT1):c.287G>A(C96Y) is a missense variant classified as a variant of uncertain significance in the context of neuronal ceroid lipofuscinosis, PPT1-related. C96Y has been observed in cases with relevant disease (PMID: 11589012, 23772246, 21990111, 11589001). Relevant functional assessments of this variant are not available in the literature. C96Y has been observed in referenced population frequency databases. In summary, there is insufficient evidence to classify NM_000310.3(PPT1):c.287G>A(C96Y) as pathogenic or benign. Please note: this variant was assessed in the context of healthy population screening.

Labcorp Genetics (formerly Invitae), Labcorp
Classification: Pathogenic for Neuronal ceroid lipofuscinosis 1. Last evaluated: 2025-08-11. Review status: criteria provided, single submitter. Criteria: Invitae Variant Classification Sherloc (09022015). Collection method: clinical testing. Allele origin: germline.
Comment: This sequence change replaces cysteine, which is neutral and slightly polar, with tyrosine, which is neutral and polar, at codon 96 of the PPT1 protein (p.Cys96Tyr). This variant is present in population databases (rs386833640, gnomAD 0.004%). This missense change has been observed in individual(s) with neuronal ceroid lipofuscinosis (PMID: 23772246; internal data). ClinVar contains an entry for this variant (Variation ID: 56188). Invitae Evidence Modeling of protein sequence and biophysical properties (such as structural, functional, and spatial information, amino acid conservation, physicochemical variation, residue mobility, and thermodynamic stability) indicates that this missense variant is expected to disrupt PPT1 protein function with a positive predictive value of 95%. For these reasons, this variant has been classified as Pathogenic.

Ambry Genetics
Classification: Likely pathogenic for Inborn genetic diseases. Last evaluated: 2025-07-16. Review status: criteria provided, single submitter. Criteria: Ambry Variant Classification Scheme 2023. Collection method: clinical testing. Allele origin: germline.
Comment: The c.287G>A (p.C96Y) alteration is located in exon 3 (coding exon 3) of the PPT1 gene. This alteration results from a G to A substitution at nucleotide position 287, causing the cysteine (C) at amino acid position 96 to be replaced by a tyrosine (Y). Based on data from gnomAD, the A allele has an overall frequency of 0.001% (4/282852) total alleles studied. The highest observed frequency was 0.003% (4/129170) of European (non-Finnish) alleles. This variant has been identified in conjunction with another PPT1 variant in an individual with features consistent with PPT1-related neuronal ceroid lipofuscinosis (Khan, 2013). This amino acid position is highly conserved in available vertebrate species. This alteration is predicted to be deleterious by in silico analysis. Based on the available evidence, this alteration is classified as likely pathogenic.

Women's Health and Genetics/Laboratory Corporation of America, LabCorp
Classification: Likely pathogenic for Neuronal ceroid lipofuscinosis. Last evaluated: 2025-06-06. Review status: criteria provided, single submitter. Criteria: LabCorp Variant Classification Summary - May 2015. Collection method: clinical testing. Allele origin: germline.
Comment: Variant summary: PPT1 c.287G>A (p.Cys96Tyr) results in a non-conservative amino acid change in the encoded protein sequence. Algorithms developed to predict the effect of missense changes on protein structure and function all suggest that this variant is likely to be disruptive. The variant allele was found at a frequency of 1.2e-05 in 251464 control chromosomes. c.287G>A has been observed in compound heterozygous individuals affected with Neuronal Ceroid-Lipofuscinosis (Batten Disease) (Mole_2001, Khan_2013, Setty_2013, LCG internal data). These data indicate that the variant is likely to be associated with disease. To our knowledge, no experimental evidence demonstrating an impact on protein function has been reported. The following publications have been ascertained in the context of this evaluation (PMID: 23772246, 11589012, 24082928). ClinVar contains an entry for this variant (Variation ID: 56188). Based on the evidence outlined above, the variant was classified as likely pathogenic.

Fulgent Genetics
Classification: Likely pathogenic for Neuronal ceroid lipofuscinosis 1. Last evaluated: 2024-04-11. Review status: criteria provided, single submitter. Criteria: ACMG Guidelines, 2015. Collection method: clinical testing. Allele origin: germline.

Illumina Laboratory Services, Illumina
Classification: Uncertain significance for Neuronal ceroid lipofuscinosis 1. Last evaluated: 2017-08-16. Review status: criteria provided, single submitter. Criteria: ICSL Variant Classification Criteria 13 December 2019. Collection method: clinical testing. Allele origin: germline.
Comment: This variant was observed as part of a predisposition screen in an ostensibly healthy population. A literature search was performed for the gene, cDNA change, and amino acid change (where applicable). Publications were found based on this search. However, the evidence from the literature, in combination with allele frequency data from public databases where available, was not sufficient to rule this variant in or out of causing disease. Therefore, this variant is classified as a variant of unknown significance.

Counsyl
Classification: Uncertain significance for Neuronal ceroid lipofuscinosis 1. Last evaluated: 2017-11-26. Review status: no assertion criteria provided. Collection method: clinical testing. Allele origin: unknown. Not counted in ClinVar's aggregate classification.

Juha Muilu Group; Institute for Molecular Medicine Finland (FIMM)
Classification: Likely pathogenic for Ceroid lipofuscinosis neuronal 1. Review status: no assertion criteria provided. Collection method: not provided. Allele origin: unknown. Not counted in ClinVar's aggregate classification.
Comment: FinDis database variant: This variant was not found or characterized by our laboratory, data were collected from public sources: see reference
ClinVar note: Converted during submission from probable-pathogenic to Likely pathogenic.

Literature cited by the submitters: PubMed 11589001 (cited by Myriad Genetics, Inc.); PubMed 11589012 (cited by 4 submitters); PubMed 21990111 (cited by Myriad Genetics, Inc. and Illumina Laboratory Services, Illumina); PubMed 23772246 (cited by 5 submitters); PubMed 24082928 (cited by Women's Health and Genetics/Laboratory Corporation of America, LabCorp); PubMed 12125808 (cited by Illumina Laboratory Services, Illumina); PubMed 15965709 (cited by Illumina Laboratory Services, Illumina).